The following is an entry in ClinVar:

ClinVar aggregate classification (germline): Uncertain significance (1 of 4 stars; one submission).

Allele frequency attached by ClinVar (database versions not stated): ExAC 0.00001; TOPMed 0.00001; gnomAD exomes 0.00002.

Submission:

Labcorp Genetics (formerly Invitae), Labcorp
Classification: Uncertain significance. Last evaluated: 2022-12-11. Review status: criteria provided, single submitter. Criteria: Invitae Variant Classification Sherloc (09022015). Collection method: clinical testing. Allele origin: germline.
Comment: This sequence change replaces glutamine, which is neutral and polar, with glutamic acid, which is acidic and polar, at codon 749 of the KIF20A protein (p.Gln749Glu). This variant is present in population databases (rs780994079, gnomAD 0.002%). This variant has not been reported in the literature in individuals affected with KIF20A-related conditions. Algorithms developed to predict the effect of missense changes on protein structure and function are either unavailable or do not agree on the potential impact of this missense change (SIFT: "Tolerated"; PolyPhen-2: "Possibly Damaging"; Align-GVGD: "Class C0"). In summary, the available evidence is currently insufficient to determine the role of this variant in disease. Therefore, it has been classified as a Variant of Uncertain Significance.

NM_005733.3(KIF20A):c.2245C>G (p.Gln749Glu)

Gene: KIF20A (kinesin family member 20A; plus strand). Cytogenetic location: 5q31.2.
Variant type: single nucleotide variant.
Coding change: c.2245C>G on transcript NM_005733.3 (MANE Select); coding-DNA position 2245, C replaced by G.
Protein change: p.Gln749Glu; replaces glutamine 749 with glutamic acid.
Molecular consequence: missense variant.
Genome position (GRCh38, 1-based): chr5:138,186,321, C>G. VCF-style: chr5-138186321-C-G. GRCh37 (hg19) VCF-style: chr5-137522010-C-G.
Other names: short protein forms Q749E.
Identifiers: ClinVar variation 2176292 (VCV002176292.4), dbSNP rs780994079, ClinGen allele CA3426867.